The following is an entry in ClinVar:

ClinVar aggregate classification (germline): Benign (0 of 4 stars; one submission).

Conditions:
YTHDC2-related disorder. Also called: YTHDC2-related condition.

Allele frequency attached by ClinVar (database versions not stated): ESP Exome Variant Server 0.00056; ExAC 0.05763; 1000 Genomes Project 30x 0.33354; 1000 Genomes Project 0.38438; gnomAD 0.40953.

Submissions (21):

PreventionGenetics, part of Exact Sciences
Classification: Benign for YTHDC2-related condition. Last evaluated: 2020-01-10. Review status: no assertion criteria provided. Collection method: clinical testing. Allele origin: germline.
Comment: This variant is classified as benign based on ACMG/AMP sequence variant interpretation guidelines (Richards et al. 2015 PMID: 25741868, with internal and published modifications).

Dr. Peter K. Rogan Lab, Western University
No classification provided (evidence only). Condition: Colorectal cancer. Review status: no classification provided. Collection method: in vitro. Allele origin: not applicable. Functional consequence: retained intron. Not counted in ClinVar's aggregate classification.

Dr. Peter K. Rogan Lab, Western University
No classification provided (evidence only). Condition: Malignant lymphoma, large B-cell, diffuse. Review status: no classification provided. Collection method: in vitro. Allele origin: not applicable. Functional consequence: retained intron. Not counted in ClinVar's aggregate classification.

Dr. Peter K. Rogan Lab, Western University
No classification provided (evidence only). Condition: Malignant lymphoma, large B-cell, diffuse. Review status: no classification provided. Collection method: in vitro. Allele origin: not applicable. Functional consequence: retained intron. Not counted in ClinVar's aggregate classification.

Dr. Peter K. Rogan Lab, Western University
No classification provided (evidence only). Condition: Gastric cancer. Review status: no classification provided. Collection method: in vitro. Allele origin: not applicable. Functional consequence: retained intron. Not counted in ClinVar's aggregate classification.

Dr. Peter K. Rogan Lab, Western University
No classification provided (evidence only). Condition: Gastric cancer. Review status: no classification provided. Collection method: in vitro. Allele origin: not applicable. Functional consequence: retained intron. Not counted in ClinVar's aggregate classification.

Dr. Peter K. Rogan Lab, Western University
No classification provided (evidence only). Condition: Gastric cancer. Review status: no classification provided. Collection method: in vitro. Allele origin: not applicable. Functional consequence: retained intron. Not counted in ClinVar's aggregate classification.

Dr. Peter K. Rogan Lab, Western University
No classification provided (evidence only). Condition: Gastric cancer. Review status: no classification provided. Collection method: in vitro. Allele origin: not applicable. Functional consequence: retained intron. Not counted in ClinVar's aggregate classification.

Dr. Peter K. Rogan Lab, Western University
No classification provided (evidence only). Condition: Uterine carcinosarcoma. Review status: no classification provided. Collection method: in vitro. Allele origin: not applicable. Functional consequence: retained intron. Not counted in ClinVar's aggregate classification.

Dr. Peter K. Rogan Lab, Western University
No classification provided (evidence only). Condition: Chronic lymphocytic leukemia/small lymphocytic lymphoma. Review status: no classification provided. Collection method: in vitro. Allele origin: not applicable. Functional consequence: retained intron. Not counted in ClinVar's aggregate classification.

Dr. Peter K. Rogan Lab, Western University
No classification provided (evidence only). Condition: Chronic lymphocytic leukemia/small lymphocytic lymphoma. Review status: no classification provided. Collection method: in vitro. Allele origin: not applicable. Functional consequence: retained intron. Not counted in ClinVar's aggregate classification.

Dr. Peter K. Rogan Lab, Western University
No classification provided (evidence only). Condition: Familial pancreatic carcinoma. Review status: no classification provided. Collection method: in vitro. Allele origin: not applicable. Functional consequence: retained intron. Not counted in ClinVar's aggregate classification.

Dr. Peter K. Rogan Lab, Western University
No classification provided (evidence only). Condition: Familial pancreatic carcinoma. Review status: no classification provided. Collection method: in vitro. Allele origin: not applicable. Functional consequence: retained intron. Not counted in ClinVar's aggregate classification.

Dr. Peter K. Rogan Lab, Western University
No classification provided (evidence only). Condition: Familial pancreatic carcinoma. Review status: no classification provided. Collection method: in vitro. Allele origin: not applicable. Functional consequence: retained intron. Not counted in ClinVar's aggregate classification.

Dr. Peter K. Rogan Lab, Western University
No classification provided (evidence only). Condition: Hepatocellular carcinoma. Review status: no classification provided. Collection method: in vitro. Allele origin: not applicable. Functional consequence: retained intron. Not counted in ClinVar's aggregate classification.

Dr. Peter K. Rogan Lab, Western University
No classification provided (evidence only). Condition: Lymphoma. Review status: no classification provided. Collection method: in vitro. Allele origin: not applicable. Functional consequence: retained intron. Not counted in ClinVar's aggregate classification.

Dr. Peter K. Rogan Lab, Western University
No classification provided (evidence only). Condition: Ovarian cancer. Review status: no classification provided. Collection method: in vitro. Allele origin: not applicable. Functional consequence: retained intron. Not counted in ClinVar's aggregate classification.

Dr. Peter K. Rogan Lab, Western University
No classification provided (evidence only). Condition: Ovarian cancer. Review status: no classification provided. Collection method: in vitro. Allele origin: not applicable. Functional consequence: retained intron. Not counted in ClinVar's aggregate classification.

Dr. Peter K. Rogan Lab, Western University
No classification provided (evidence only). Condition: Ovarian cancer. Review status: no classification provided. Collection method: in vitro. Allele origin: not applicable. Functional consequence: retained intron. Not counted in ClinVar's aggregate classification.

Dr. Peter K. Rogan Lab, Western University
No classification provided (evidence only). Condition: Ovarian cancer. Review status: no classification provided. Collection method: in vitro. Allele origin: not applicable. Functional consequence: retained intron. Not counted in ClinVar's aggregate classification.

Dr. Peter K. Rogan Lab, Western University
No classification provided (evidence only). Condition: Ovarian cancer. Review status: no classification provided. Collection method: in vitro. Allele origin: not applicable. Functional consequence: retained intron. Not counted in ClinVar's aggregate classification.

NM_022828.5(YTHDC2):c.1689-3C>T

Gene: YTHDC2 (YTH N6-methyladenosine RNA binding protein C2; plus strand). Cytogenetic location: 5q22.2.
Variant type: single nucleotide variant.
Coding change: c.1689-3C>T on transcript NM_022828.5 (MANE Select); 3 bases into the intron before coding-DNA position 1689, C replaced by T.
Molecular consequence: intron variant.
Genome position (GRCh38, 1-based): chr5:113,553,178, C>T. VCF-style: chr5-113553178-C-T. GRCh37 (hg19) VCF-style: chr5-112888875-C-T.
Other names: NC_000005.9:g.112888875C>T; c.1203-3C>T (NM_001345975.2); c.789-3C>T (NM_001345976.2).
Identifiers: ClinVar variation 3060266 (VCV003060266.3), dbSNP rs72805421, ClinGen allele CA3371909.